The following is an entry in ClinVar:

ClinVar aggregate classification (germline): Uncertain significance (1 of 4 stars; one submission).

Conditions:
Familial adenomatous polyposis 1 (FAP1). Also called: FAMILIAL ADENOMATOUS POLYPOSIS 1, ATTENUATED; POLYPOSIS, ADENOMATOUS INTESTINAL. Identifiers: MedGen C2713442, MONDO:0021056, OMIM 175100. Disease mechanism: loss of function.

Allele frequency attached by ClinVar (database versions not stated): gnomAD exomes below 0.00001.
gnomAD v4.1: 1 of 1,612,462 alleles (0.000062%); highest among the groups gnomAD compares: South Asian, 0.0011%; no homozygotes.

Submission:

Labcorp Genetics (formerly Invitae), Labcorp
Classification: Uncertain significance for Familial adenomatous polyposis 1. Last evaluated: 2022-07-26. Review status: criteria provided, single submitter. Criteria: Invitae Variant Classification Sherloc (09022015). Collection method: clinical testing. Allele origin: germline.
Comment: This sequence change replaces serine, which is neutral and polar, with leucine, which is neutral and non-polar, at codon 1795 of the APC protein (p.Ser1795Leu). This variant is not present in population databases (gnomAD no frequency). This variant has not been reported in the literature in individuals affected with APC-related conditions. ClinVar contains an entry for this variant (Variation ID: 1351453). Algorithms developed to predict the effect of missense changes on protein structure and function (SIFT, PolyPhen-2, Align-GVGD) all suggest that this variant is likely to be tolerated. In summary, the available evidence is currently insufficient to determine the role of this variant in disease. Therefore, it has been classified as a Variant of Uncertain Significance.

NM_000038.6(APC):c.5384C>T (p.Ser1795Leu)

Gene: APC (APC regulator of Wnt signaling pathway; plus strand). Cytogenetic location: 5q22.2.
Variant type: single nucleotide variant.
Coding change: c.5384C>T on transcript NM_000038.6 (MANE Select); coding-DNA position 5384, C replaced by T.
Protein change: p.Ser1795Leu; replaces serine 1795 with leucine.
Molecular consequence: missense variant.
Genome position (GRCh38, 1-based): chr5:112,840,978, C>T. VCF-style: chr5-112840978-C-T. GRCh37 (hg19) VCF-style: chr5-112176675-C-T.
Other names: c.5384C>T, p.Ser1795Leu (NM_001127510.3, NM_001354895.2); c.5330C>T, p.Ser1777Leu (NM_001127511.3); c.5438C>T, p.Ser1813Leu (NM_001354896.2); c.5414C>T, p.Ser1805Leu (NM_001354897.2); c.5309C>T, p.Ser1770Leu (NM_001354898.2); c.5300C>T, p.Ser1767Leu (NM_001354899.2); c.5261C>T, p.Ser1754Leu (NM_001354900.2); c.5207C>T, p.Ser1736Leu (NM_001354901.2); and 5 more; short protein forms S1704L, S1767L, S1770L, S1805L, S1512L, S1694L, S1736L, S1813L.
Identifiers: ClinVar variation 1351453 (VCV001351453.8), dbSNP rs1554086694, ClinGen allele CA16033099.